The following is an entry in ClinVar:

NM_002971.6(SATB1):c.468G>C (p.Met156Ile)

Gene: SATB1 (SATB homeobox 1; minus strand). Cytogenetic location: 3p24.3.
Variant type: single nucleotide variant.
Coding change: c.468G>C on transcript NM_002971.6 (MANE Select); coding-DNA position 468, G replaced by C.
Protein change: p.Met156Ile; replaces methionine 156 with isoleucine.
Molecular consequence: missense variant.
Genome position (GRCh38, 1-based): chr3:18,416,054, C>G on the plus strand (G>C on the coding strand, the complement: SATB1 is on the minus strand). VCF-style: chr3-18416054-C-G. GRCh37 (hg19) VCF-style: chr3-18457546-C-G.
Other names: c.468G>C, p.Met156Ile (NM_001131010.4, NM_001195470.3, NM_001322871.2 and 4 more transcripts); c.252G>C, p.Met84Ile (NM_001322876.2); short protein forms M156I, M84I.
Identifiers: ClinVar variation 1342323 (VCV001342323.1), dbSNP rs1698096497, ClinGen allele CA351861085.

ClinVar aggregate classification (germline): Uncertain significance (1 of 4 stars; one submission).

Conditions:
SATB1-related neurodevelopmental disorder.

Allele frequency attached by ClinVar (database versions not stated): TOPMed below 0.00001.

Submission:

New York Genome Center
Classification: Uncertain significance for SATB1-related neurodevelopmental disorder. Last evaluated: 2021-03-12. Review status: criteria provided, single submitter. Criteria: NYGC Assertion Criteria 2020. Collection method: clinical testing. Allele origin: inherited. Observed: 1 heterozygote. Study: CSER-NYCKidSeq.
Comment: The inherited heterozygous c.468G>C (p.Met156Ile) variant identified in the SATB1 gene has not been reported in affected individuals in the literature. The variant is absent from the gnomAD(v3) database indicating it is not a common benign variant in the populations presented in that database. The variant affects an evolutionarily conserved residue and is predicted deleterious by multiple in silico prediction tools. Based on the available evidence, the inherited heterozygous c.468G>C (p.Met156Ile) variant identified in the SATB1 gene is reported is a variant of uncertain significance.